The following is an entry in ClinVar:

ClinVar aggregate classification (germline): Uncertain significance (1 of 4 stars; one submission).

Conditions:
Combined oxidative phosphorylation defect type 17. Also called: Combined oxidative phosphorylation deficiency 17. Identifiers: Orphanet 369913, MedGen C3809526, MONDO:0014190, OMIM 615440.

gnomAD v4.1: 2 of 1,613,812 alleles (0.00012%); highest among the groups gnomAD compares: African/African-American, 0.0027%; no homozygotes.

Submission:

Labcorp Genetics (formerly Invitae), Labcorp
Classification: Uncertain significance for Combined oxidative phosphorylation defect type 17. Last evaluated: 2022-05-24. Review status: criteria provided, single submitter. Criteria: Invitae Variant Classification Sherloc (09022015). Collection method: clinical testing. Allele origin: germline.
Comment: This sequence change replaces glutamine, which is neutral and polar, with histidine, which is basic and polar, at codon 819 of the ELAC2 protein (p.Gln819His). This variant is not present in population databases (gnomAD no frequency). This variant has not been reported in the literature in individuals affected with ELAC2-related conditions. Algorithms developed to predict the effect of missense changes on protein structure and function are either unavailable or do not agree on the potential impact of this missense change (SIFT: "Tolerated"; PolyPhen-2: "Possibly Damaging"; Align-GVGD: "Class C0"). In summary, the available evidence is currently insufficient to determine the role of this variant in disease. Therefore, it has been classified as a Variant of Uncertain Significance.

NM_018127.7(ELAC2):c.2457G>C (p.Gln819His)

Gene: ELAC2 (elaC ribonuclease Z 2; minus strand). Cytogenetic location: 17p12.
Variant type: single nucleotide variant.
Coding change: c.2457G>C on transcript NM_018127.7 (MANE Select); coding-DNA position 2457, G replaced by C.
Protein change: p.Gln819His; replaces glutamine 819 with histidine.
Molecular consequence: missense variant.
Genome position (GRCh38, 1-based): chr17:12,992,842, C>G on the plus strand (G>C on the coding strand, the complement: ELAC2 is on the minus strand). VCF-style: chr17-12992842-C-G. GRCh37 (hg19) VCF-style: chr17-12896159-C-G.
Other names: c.2337G>C, p.Gln779His (NM_001165962.2); c.2454G>C, p.Gln818His (NM_173717.2); short protein forms Q779H, Q818H, Q819H.
Identifiers: ClinVar variation 1998168 (VCV001998168.1), dbSNP rs773456696, ClinGen allele CA398222044.
Genomic context (GRCh38, chr17:12,992,842, plus strand): 5'-ACACACAGCCTTCTGAGTTCAGGGTCTCCCAGATCTTCACTGGGCTCTGACCTTCTTGGC[C>G]TGTGGCTCCTCTGTGTGGGCCCGCTTCTGCTGAGGCTCCCCATCCTCCAGGCCGCCTGCC-3'
Protein context (NP_060597.4, residues 809-826): QQKRAHTEEP[Gln819His]AKKVRAQ